The following is an entry in ClinVar:

ClinVar aggregate classification (germline): Conflicting classifications of pathogenicity. Review status: criteria provided, conflicting classifications (1 of 4 stars). 2 submissions from 2 submitters: Uncertain significance (1); Likely benign (1). Last evaluated 2022-10-30.

Allele frequency attached by ClinVar (database versions not stated): ExAC 0.00001; gnomAD 0.00001; gnomAD exomes 0.00001; TOPMed 0.00001.

Submissions (2):

Ambry Genetics
Classification: Likely benign. Last evaluated: 2022-10-30. Review status: criteria provided, single submitter. Criteria: Ambry Variant Classification Scheme 2023. Collection method: clinical testing. Allele origin: germline.

Labcorp Genetics (formerly Invitae), Labcorp
Classification: Uncertain significance. Last evaluated: 2022-10-05. Review status: criteria provided, single submitter. Criteria: Invitae Variant Classification Sherloc (09022015). Collection method: clinical testing. Allele origin: germline.
Comment: In summary, the available evidence is currently insufficient to determine the role of this variant in disease. Therefore, it has been classified as a Variant of Uncertain Significance. Algorithms developed to predict the effect of missense changes on protein structure and function output the following: SIFT: "Tolerated"; PolyPhen-2: "Benign"; Align-GVGD: "Class C0". The valine amino acid residue is found in multiple mammalian species, which suggests that this missense change does not adversely affect protein function. This variant has not been reported in the literature in individuals affected with NPAT-related conditions. This variant is present in population databases (rs758696196, gnomAD 0.002%). This sequence change replaces methionine, which is neutral and non-polar, with valine, which is neutral and non-polar, at codon 1396 of the NPAT protein (p.Met1396Val).

NM_002519.3(NPAT):c.4186A>G (p.Met1396Val)

Gene: NPAT (nuclear protein, coactivator of histone transcription; minus strand). Cytogenetic location: 11q22.3.
Variant type: single nucleotide variant.
Coding change: c.4186A>G on transcript NM_002519.3 (MANE Select); coding-DNA position 4186, A replaced by G.
Protein change: p.Met1396Val; replaces methionine 1396 with valine.
Molecular consequence: missense variant.
Genome position (GRCh38, 1-based): chr11:108,160,900, T>C on the plus strand (A>G on the coding strand, the complement: NPAT is on the minus strand). VCF-style: chr11-108160900-T-C. GRCh37 (hg19) VCF-style: chr11-108031627-T-C.
Other names: c.4207A>G, p.Met1403Val (NM_001321307.1); short protein forms M1403V, M1396V.
Identifiers: ClinVar variation 1738531 (VCV001738531.7), dbSNP rs758696196, ClinGen allele CA6263464.